The following is an entry in ClinVar:

NM_000038.6(APC):c.7166G>A (p.Ser2389Asn)

Gene: APC (APC regulator of Wnt signaling pathway; plus strand). Cytogenetic location: 5q22.2.
Variant type: single nucleotide variant.
Coding change: c.7166G>A on transcript NM_000038.6 (MANE Select); coding-DNA position 7166, G replaced by A.
Protein change: p.Ser2389Asn; replaces serine 2389 with asparagine.
Molecular consequence: missense variant.
Genome position (GRCh38, 1-based): chr5:112,842,760, G>A. VCF-style: chr5-112842760-G-A. GRCh37 (hg19) VCF-style: chr5-112178457-G-A.
Other names: c.7166G>A, p.Ser2389Asn (NM_001127510.3, NM_001354895.2); c.7112G>A, p.Ser2371Asn (NM_001127511.3); c.7220G>A, p.Ser2407Asn (NM_001354896.2); c.7196G>A, p.Ser2399Asn (NM_001354897.2); c.7091G>A, p.Ser2364Asn (NM_001354898.2); c.7082G>A, p.Ser2361Asn (NM_001354899.2); c.7043G>A, p.Ser2348Asn (NM_001354900.2); c.6989G>A, p.Ser2330Asn (NM_001354901.2); and 5 more; short protein forms S2371N, S2389N, S2399N, S2263N, S2288N, S2298N, S2330N, S2106N.
Identifiers: ClinVar variation 470080 (VCV000470080.25), dbSNP rs779287035, ClinGen allele CA16036937.

ClinVar aggregate classification (germline): Uncertain significance. Review status: criteria provided, multiple submitters, no conflicts (2 of 4 stars). 8 submissions from 8 submitters: Uncertain significance (8). Last evaluated 2025-12-22.

Conditions:
Classic or attenuated familial adenomatous polyposis. Identifiers: MedGen CN372698, MONDO:0021057.
Hereditary cancer-predisposing syndrome. Also called: Hereditary neoplastic syndrome; Hereditary Cancer Syndrome; Tumor predisposition; Neoplastic Syndromes, Hereditary. Identifiers: Orphanet 140162, MedGen C0027672, MeSH D009386, MONDO:0015356.
Familial adenomatous polyposis 1 (FAP1). Also called: FAMILIAL ADENOMATOUS POLYPOSIS 1, ATTENUATED; POLYPOSIS, ADENOMATOUS INTESTINAL. Identifiers: MedGen C2713442, MONDO:0021056, OMIM 175100. Disease mechanism: loss of function.
Neoplasm of stomach. Also called: Neoplasm of the stomach; Gastric neoplasm; Stomach Neoplasms. Identifiers: MedGen C0038356, MONDO:0021085, HP:0006753. Disease mechanism: gain of function. Inheritance: Somatic mutation.
Desmoid disease, hereditary (DESMD). Also called: FIBROMATOSIS, FAMILIAL INFILTRATIVE. Identifiers: Orphanet 873, MedGen C1851124, OMIM 135290. Disease mechanism: loss of function.
Carcinoma of colon (CRC). Also called: Colon carcinoma; Colonic carcinoma. Identifiers: MedGen C0699790, MONDO:0002032.
Hepatocellular carcinoma (HCC). Also called: Primary carcinoma of liver; HEPATOMA; LIVER CELL CARCINOMA. Identifiers: Orphanet 88673, MedGen C2239176, MONDO:0007256, OMIM 114550, HP:0001402.

Allele frequency attached by ClinVar (database versions not stated): gnomAD 0.00002; TOPMed 0.00003.
gnomAD v4.1: 5 of 1,613,896 alleles (0.00031%); highest among the groups gnomAD compares: African/African-American, 0.0067%; no homozygotes.

Submissions (8):

Labcorp Genetics (formerly Invitae), Labcorp
Classification: Uncertain significance for Familial adenomatous polyposis 1. Last evaluated: 2025-12-22. Review status: criteria provided, single submitter. Criteria: Invitae Variant Classification Sherloc (09022015). Collection method: clinical testing. Allele origin: germline.
Comment: This sequence change replaces serine, which is neutral and polar, with asparagine, which is neutral and polar, at codon 2389 of the APC protein (p.Ser2389Asn). This variant is present in population databases (no rsID available, gnomAD 0.007%). This variant has not been reported in the literature in individuals affected with APC-related conditions. ClinVar contains an entry for this variant (Variation ID: 470080). Invitae Evidence Modeling of protein sequence and biophysical properties (such as structural, functional, and spatial information, amino acid conservation, physicochemical variation, residue mobility, and thermodynamic stability) indicates that this missense variant is not expected to disrupt APC protein function with a negative predictive value of 95%. In summary, the available evidence is currently insufficient to determine the role of this variant in disease. Therefore, it has been classified as a Variant of Uncertain Significance.

Color Diagnostics, LLC DBA Color Health
Classification: Uncertain significance for Hereditary cancer-predisposing syndrome. Last evaluated: 2025-06-17. Review status: criteria provided, single submitter. Criteria: ACMG Guidelines, 2015. Collection method: clinical testing. Allele origin: germline.
Comment: This missense variant replaces serine with asparagine at codon 2389 of the APC protein. Computational prediction suggests that this variant may not impact protein structure and function. To our knowledge, functional studies have not been reported for this variant. This variant has not been reported in individuals affected with APC-related disorders in the literature. This variant has been identified in 1/250312 chromosomes in the general population by the Genome Aggregation Database (gnomAD). The available evidence is insufficient to determine the role of this variant in disease conclusively. Therefore, this variant is classified as a Variant of Uncertain Significance.

Ambry Genetics
Classification: Uncertain significance for Hereditary cancer-predisposing syndrome. Last evaluated: 2024-05-02. Review status: criteria provided, single submitter. Criteria: Ambry Variant Classification Scheme 2023. Collection method: clinical testing. Allele origin: germline.
Comment: The p.S2389N variant (also known as c.7166G>A), located in coding exon 15 of the APC gene, results from a G to A substitution at nucleotide position 7166. The serine at codon 2389 is replaced by asparagine, an amino acid with highly similar properties. This amino acid position is well conserved in available vertebrate species. In addition, in silico predictors for this gene do not accurately predict pathogenicity. Since supporting evidence is limited at this time, the clinical significance of this alteration remains unclear.

All of Us Research Program, National Institutes of Health
Classification: Uncertain significance for Classic or attenuated familial adenomatous polyposis. Last evaluated: 2023-12-18. Review status: criteria provided, single submitter. Criteria: ACMG Guidelines, 2015. Collection method: clinical testing. Allele origin: germline. Inheritance: Autosomal dominant inheritance. Observed: 2 variant alleles, 2 heterozygotes.
Comment: This missense variant replaces serine with asparagine at codon 2389 of the APC protein. Computational prediction suggests that this variant may not impact protein structure and function (internally defined REVEL score threshold <= 0.5, PMID: 27666373). To our knowledge, functional studies have not been reported for this variant. This variant has not been reported in individuals affected with APC-related disorders in the literature. This variant has been identified in 1/250312 chromosomes in the general population by the Genome Aggregation Database (gnomAD). The available evidence is insufficient to determine the role of this variant in disease conclusively. Therefore, this variant is classified as a Variant of Uncertain Significance.

This study involves interpretation of variants in research participants for the purpose of population health screening. Participant phenotype was not available at the time of variant classification. Additional details can be found in publication PMID: 35346344, PMCID: PMC8962531

Baylor Genetics
Classification: Uncertain significance for Familial adenomatous polyposis 1. Last evaluated: 2023-09-08. Review status: criteria provided, single submitter. Criteria: ACMG Guidelines, 2015. Collection method: clinical testing. Allele origin: unknown.

Quest Diagnostics Nichols Institute San Juan Capistrano
Classification: Uncertain significance. Last evaluated: 2020-11-17. Review status: criteria provided, single submitter. Criteria: Quest Diagnostics criteria. Collection method: clinical testing. Allele origin: unknown.

Fulgent Genetics
Classification: Uncertain significance for Colorectal cancer; Hepatocellular carcinoma; Desmoid disease, hereditary; Familial adenomatous polyposis 1; Gastric cancer. Last evaluated: 2018-10-31. Review status: criteria provided, single submitter. Criteria: ACMG Guidelines, 2015. Collection method: clinical testing. Allele origin: unknown.

Women's Health and Genetics/Laboratory Corporation of America, LabCorp
Classification: Uncertain significance. Last evaluated: 2017-07-03. Review status: criteria provided, single submitter. Criteria: LabCorp Variant Classification Summary - May 2015. Collection method: clinical testing. Allele origin: germline.
Comment: Variant summary: The c.7166G>A (p.Ser2389Asn) in APC gene is a missense variant involves a mildly conserved nucleotide and 3/5 in silico tools predict deleterious outcome. The variant is located within the basic domain, however no functional studies supporting deleterious outcome of this alteration on the protein function have been published at the time of evaluation. The variant is absent from the control population dataset of ExAC, but is present at a low frequency in gnomAD (0.000004081; 1/245052 chrs tested), which does not exceed the maximal expected allele frequency for a disease causing allele in APC gene (0.00007). To our knowledge, the variant has not been reported in affected individuals via published reports nor has it been cited by reputable databases/clinical laboratories. Taken together, the variant was classified as VUS, until new information becomes available.